The following is an entry in ClinVar:

NM_004006.3(DMD):c.7939C>T (p.Leu2647Phe)

Gene: DMD (dystrophin; minus strand). Cytogenetic location: Xp21.1.
Variant type: single nucleotide variant.
Coding change: c.7939C>T on transcript NM_004006.3 (MANE Select); coding-DNA position 7939, C replaced by T.
Protein change: p.Leu2647Phe; replaces leucine 2647 with phenylalanine.
Molecular consequence: missense variant.
Genome position (GRCh38, 1-based): chrX:31,658,078, G>A on the plus strand (C>T on the coding strand, the complement: DMD is on the minus strand). VCF-style: chrX-31658078-G-A. GRCh37 (hg19) VCF-style: chrX-31676195-G-A.
Other names: c.7915C>T, p.Leu2639Phe (NM_000109.4); c.7927C>T, p.Leu2643Phe (NM_004009.3); c.7570C>T, p.Leu2524Phe (NM_004010.3); c.3916C>T, p.Leu1306Phe (NM_004011.4); c.3907C>T, p.Leu1303Phe (NM_004012.4); c.559C>T, p.Leu187Phe (NM_004013.3, NM_004020.4, NM_004021.3 and 2 more transcripts); short protein forms L1303F, L1306F, L187F, L2524F, L2639F, L2643F, L2647F.
Identifiers: ClinVar variation 4761515 (VCV004761515.1).

ClinVar aggregate classification (germline): Uncertain significance (1 of 4 stars; one submission).

Conditions:
Duchenne muscular dystrophy (DMD). Also called: MUSCULAR DYSTROPHY, PSEUDOHYPERTROPHIC PROGRESSIVE, DUCHENNE TYPE; Duchenne Muscular Dystrophy (DMD). Identifiers: Orphanet 98896, MedGen C0013264, MONDO:0010679, OMIM 310200.

Submission:

Labcorp Genetics (formerly Invitae), Labcorp
Classification: Uncertain significance for Duchenne muscular dystrophy. Last evaluated: 2025-07-13. Review status: criteria provided, single submitter. Criteria: Invitae Variant Classification Sherloc (09022015). Collection method: clinical testing. Allele origin: germline.
Comment: This sequence change replaces leucine, which is neutral and non-polar, with phenylalanine, which is neutral and non-polar, at codon 2647 of the DMD protein (p.Leu2647Phe). This variant is not present in population databases (gnomAD no frequency). This variant has not been reported in the literature in individuals affected with DMD-related conditions. Invitae Evidence Modeling of protein sequence and biophysical properties (such as structural, functional, and spatial information, amino acid conservation, physicochemical variation, residue mobility, and thermodynamic stability) indicates that this missense variant is not expected to disrupt DMD protein function with a negative predictive value of 95%. In summary, the available evidence is currently insufficient to determine the role of this variant in disease. Therefore, it has been classified as a Variant of Uncertain Significance.